The following is an entry in ClinVar:

ClinVar aggregate classification (germline): Uncertain significance (1 of 4 stars; one submission).

Allele frequency attached by ClinVar (database versions not stated): gnomAD exomes 0.00001.
gnomAD v4.1: 11 of 1,614,070 alleles (0.00068%); highest among the groups gnomAD compares: Non-Finnish European, 0.00093%; no homozygotes.

Submission:

Ambry Genetics
Classification: Uncertain significance. Last evaluated: 2022-06-24. Review status: criteria provided, single submitter. Criteria: Ambry Variant Classification Scheme 2023. Collection method: clinical testing. Allele origin: germline.
Comment: The p.L1338R variant (also known as c.4013T>G), located in coding exon 17 of the NPAT gene, results from a T to G substitution at nucleotide position 4013. The leucine at codon 1338 is replaced by arginine, an amino acid with dissimilar properties. This amino acid position is conserved. In addition, the in silico prediction for this alteration is inconclusive. Since supporting evidence is limited at this time, the clinical significance of this alteration remains unclear.

NM_002519.3(NPAT):c.4013T>G (p.Leu1338Arg)

Gene: NPAT (nuclear protein, coactivator of histone transcription; minus strand). Cytogenetic location: 11q22.3.
Variant type: single nucleotide variant.
Coding change: c.4013T>G on transcript NM_002519.3 (MANE Select); coding-DNA position 4013, T replaced by G.
Protein change: p.Leu1338Arg; replaces leucine 1338 with arginine.
Molecular consequence: missense variant.
Genome position (GRCh38, 1-based): chr11:108,161,073, A>C on the plus strand (T>G on the coding strand, the complement: NPAT is on the minus strand). VCF-style: chr11-108161073-A-C. GRCh37 (hg19) VCF-style: chr11-108031800-A-C.
Other names: c.4034T>G, p.Leu1345Arg (NM_001321307.1); short protein forms L1345R, L1338R.
Identifiers: ClinVar variation 1737042 (VCV001737042.2), dbSNP rs2496693631, ClinGen allele CA382509549.